The following is an entry in ClinVar:

NM_001145358.2(SIN3A):c.3018A>C (p.Arg1006Ser)

Gene: SIN3A (SIN3 transcription regulator family member A; minus strand). Cytogenetic location: 15q24.2.
Variant type: single nucleotide variant.
Coding change: c.3018A>C on transcript NM_001145358.2 (MANE Select); coding-DNA position 3018, A replaced by C.
Protein change: p.Arg1006Ser; replaces arginine 1006 with serine.
Molecular consequence: missense variant.
Genome position (GRCh38, 1-based): chr15:75,389,655, T>G on the plus strand (A>C on the coding strand, the complement: SIN3A is on the minus strand). VCF-style: chr15-75389655-T-G. GRCh37 (hg19) VCF-style: chr15-75681996-T-G.
Other names: c.3018A>C, p.Arg1006Ser (NM_001145357.2, NM_015477.3); short protein forms R1006S.
Identifiers: ClinVar variation 3361487 (VCV003361487.2).

ClinVar aggregate classification (germline): Uncertain significance (1 of 4 stars; one submission).

Submission:

GeneDx
Classification: Uncertain significance. Last evaluated: 2024-12-23. Review status: criteria provided, single submitter. Criteria: GeneDx Variant Classification Process June 2021. Collection method: clinical testing. Allele origin: germline.
Comment: Not observed at significant frequency in large population cohorts (gnomAD); In silico analysis supports that this missense variant has a deleterious effect on protein structure/function; Has not been previously published as pathogenic or benign to our knowledge